The following is an entry in ClinVar:

NM_005754.3(G3BP1):c.955+3A>G

Gene: G3BP1 (G3BP stress granule assembly factor 1; plus strand). Cytogenetic location: 5q33.1.
Variant type: single nucleotide variant.
Coding change: c.955+3A>G on transcript NM_005754.3 (MANE Select); 3 bases into the intron after coding-DNA position 955, A replaced by G.
Molecular consequence: intron variant.
Genome position (GRCh38, 1-based): chr5:151,800,003, A>G. VCF-style: chr5-151800003-A-G. GRCh37 (hg19) VCF-style: chr5-151179564-A-G.
Other names: c.955+3A>G (NM_198395.2).
Identifiers: ClinVar variation 2504785 (VCV002504785.2), dbSNP rs2479868971, ClinGen allele CA2580614786.
Genomic context (GRCh38, chr5:151,800,003, plus strand): 5'-GATCAAAGAGTGCGAGAACAACGAATAAATATTCCTCCCCAAAGGGGACCCAGACCAAGT[A>G]AGAGCTCAGAAGGGCGATTTCTCGTTTGGGGGATTTTGAGGTGAGAGCTTATTTTGGGAG-3'

ClinVar aggregate classification (germline): Likely pathogenic (1 of 4 stars; one submission).

Submission:

GeneDx
Classification: Likely pathogenic. Last evaluated: 2025-02-19. Review status: criteria provided, single submitter. Criteria: GeneDx Variant Classification Process June 2021. Collection method: clinical testing. Allele origin: germline.
Comment: In silico analysis supports a deleterious effect on splicing; Non-canonical splice site variant in a gene for which loss-of-function is not an established mechanism of disease; Not observed at significant frequency in large population cohorts (gnomAD); Has not been previously published as pathogenic or benign to our knowledge